The following is an entry in ClinVar:

NM_001145809.2(MYH14):c.3527C>T (p.Ala1176Val)

Gene: MYH14 (myosin heavy chain 14; plus strand). Cytogenetic location: 19q13.33.
Variant type: single nucleotide variant.
Coding change: c.3527C>T on transcript NM_001145809.2 (MANE Select); coding-DNA position 3527, C replaced by T.
Protein change: p.Ala1176Val; replaces alanine 1176 with valine.
Molecular consequence: missense variant.
Genome position (GRCh38, 1-based): chr19:50,276,050, C>T. VCF-style: chr19-50276050-C-T. GRCh37 (hg19) VCF-style: chr19-50779307-C-T.
Other names: c.3428C>T, p.Ala1143Val (NM_001077186.2); c.3404C>T, p.Ala1135Val (NM_024729.4); short protein forms A1135V, A1143V, A1176V.
Identifiers: ClinVar variation 1493225 (VCV001493225.6), dbSNP rs2123405169, ClinGen allele CA406953904.

ClinVar aggregate classification (germline): Uncertain significance (1 of 4 stars; one submission).

Submission:

Labcorp Genetics (formerly Invitae), Labcorp
Classification: Uncertain significance. Last evaluated: 2024-02-17. Review status: criteria provided, single submitter. Criteria: Invitae Variant Classification Sherloc (09022015). Collection method: clinical testing. Allele origin: germline.
Comment: This sequence change replaces alanine, which is neutral and non-polar, with valine, which is neutral and non-polar, at codon 1135 of the MYH14 protein (p.Ala1135Val). This variant is not present in population databases (gnomAD no frequency). This variant has not been reported in the literature in individuals affected with MYH14-related conditions. ClinVar contains an entry for this variant (Variation ID: 1493225). Advanced modeling of protein sequence and biophysical properties (such as structural, functional, and spatial information, amino acid conservation, physicochemical variation, residue mobility, and thermodynamic stability) performed at Invitae indicates that this missense variant is not expected to disrupt MYH14 protein function with a negative predictive value of 80%. In summary, the available evidence is currently insufficient to determine the role of this variant in disease. Therefore, it has been classified as a Variant of Uncertain Significance.